The following is an entry in ClinVar:

NM_000297.4(PKD2):c.1319+1G>A

Gene: PKD2 (polycystin 2, transient receptor potential cation channel; plus strand). Cytogenetic location: 4q22.1.
Variant type: single nucleotide variant.
Coding change: c.1319+1G>A on transcript NM_000297.4 (MANE Select); the canonical splice donor site of the intron after coding-DNA position 1319, G replaced by A.
Molecular consequence: splice donor variant.
Genome position (GRCh38, 1-based): chr4:88,043,458, G>A. VCF-style: chr4-88043458-G-A. GRCh37 (hg19) VCF-style: chr4-88964610-G-A.
Identifiers: ClinVar variation 430967 (VCV000430967.43), dbSNP rs1131692280, ClinGen allele CA357616589.
Genomic context (GRCh38, chr4:88,043,458, plus strand): 5'-GGCAACTTTTATTGACTTCTCAGTGTACAACGCCAACATTAACCTGTTCTGTGTGGTCAG[G>A]TGTGTACTGAGGACATGCATCCCTCCTATTTCTGTGTGGTTGTACATACATCCTATTCTG-3'

ClinVar aggregate classification (germline): Pathogenic/Likely pathogenic. Review status: criteria provided, multiple submitters, no conflicts (2 of 4 stars). 17 submissions from 17 submitters: Pathogenic (13); Likely pathogenic (3). 1 of the submissions does not count toward it. Last evaluated 2026-09-17.

Conditions:
PKD2-related disorder. Also called: PKD2-related condition.
Polycystic kidney disease 2 (PKD2). Also called: Polycystic Kidney Disease 2, Autosomal Dominant; POLYCYSTIC KIDNEY DISEASE, ADULT, TYPE II; POLYCYSTIC KIDNEY DISEASE 2 WITH OR WITHOUT POLYCYSTIC LIVER DISEASE. Identifiers: MedGen C2751306, MONDO:0013131, OMIM 613095.
Inborn genetic diseases. Identifiers: MedGen C0950123, MeSH D030342.
Polycystic kidney disease. Also called: Kidney, Polycystic; Polycystic kidney dysplasia. Identifiers: MedGen C0022680, MeSH D007690, MONDO:0020642, HP:0000113.
Autosomal dominant polycystic kidney disease. Identifiers: Orphanet 730, MedGen C0085413, MONDO:0004691.

Allele frequency attached by ClinVar (database versions not stated): gnomAD exomes below 0.00001 and 0.00001; TOPMed 0.00001; gnomAD 0.00001.

Submissions 1 to 12 of 17:

GeneDx
Classification: Likely pathogenic. Last evaluated: 2026-09-17. Review status: criteria provided, single submitter. Criteria: GeneDx Variant Classification Process June 2021. Collection method: clinical testing. Allele origin: germline.
Comment: Canonical splice site variant expected to result in aberrant splicing, although in the absence of functional evidence the actual effect of this sequence change is unknown.; This variant is associated with the following publications: (PMID: 25525159, 29790872, 12707387, 18837007, 22383692, 35314260, 27499327, 36938073, 11007674)

PreventionGenetics, part of Exact Sciences
Classification: Pathogenic for PKD2-related condition. Last evaluated: 2026-03-31. Review status: criteria provided, single submitter. Criteria: ACMG Guidelines, 2015. Collection method: clinical testing. Allele origin: germline.
Comment: The PKD2 c.1319+1G>A variant is predicted to disrupt the GT donor site and interfere with normal splicing. This variant was reported in individuals with autosomal dominant polycystic kidney disease (ADPKD) (see for example, reported as IVS5+1G>A in Torra et al. 2000. PubMed ID: 11007674; Thompson et al. 2018. PubMed ID: 29790872). This variant is reported in 0.012% of alleles in individuals of African descent in gnomAD. Variants that disrupt the consensus splice donor site in PKD2 are expected to be pathogenic. This variant is interpreted as pathogenic.

Victorian Clinical Genetics Services, Murdoch Childrens Research Institute
Classification: Pathogenic for Polycystic kidney disease 2. Last evaluated: 2025-04-09. Review status: criteria provided, single submitter. Criteria: ACMG Guidelines, 2015. Collection method: clinical testing. Allele origin: germline. Affected: yes.
Comment: This variant is classified as Pathogenic. Evidence in support of pathogenic classification: Canonical splice site variant without proven consequence on splicing (no functional evidence available); Variant is present in gnomAD <0.001 for a dominant condition (v4: 4 heterozygote(s), 0 homozygote(s)); This variant has strong previous evidence of pathogenicity in unrelated individuals. This variant has been classified as pathogenic or likely pathogenic by multiple clinical laboratories in ClinVar, and has been observed in individuals with polycystic kidney disease in the literature (PMID: 29790872); Abnormal splicing is predicted by in silico tool and affected nucleotide is highly conserved. Additional information: This variant is heterozygous; This gene is associated with autosomal dominant disease; Loss of function is a known mechanism of disease in this gene and is associated with polycystic kidney disease 2 (MIM#613095); Inheritance information for this variant is not currently available in this individual.

Women's Health and Genetics/Laboratory Corporation of America, LabCorp
Classification: Pathogenic for Polycystic kidney disease 2. Last evaluated: 2025-01-28. Review status: criteria provided, single submitter. Criteria: LabCorp Variant Classification Summary - May 2015. Collection method: clinical testing. Allele origin: germline.
Comment: Variant summary: PKD2 c.1319+1G>A is located in a canonical splice-site and is predicted to affect mRNA splicing resulting in a significantly altered protein due to either exon skipping, shortening, or inclusion of intronic material. Variants that disrupt the consensus splice site are a relatively common cause of aberrant splicing and loss of PKD2 function. Several computational tools predict a significant impact on normal splicing: Three predict the variant abolishes a 5' splicing donor site. However, these predictions have yet to be confirmed by functional studies. The variant allele was found at a frequency of 8e-06 in 250634 control chromosomes. c.1319+1G>A has been reported in the literature in affected individuals from multiple families with autosomal dominant Polycystic Kidney Disease (e.g. Torra_2000, Magistroni_2003, Tan_2009). These data indicate that the variant is very likely to be associated with disease. The following publications have been ascertained in the context of this evaluation (PMID: 11007674, 12707387, 18837007). ClinVar contains an entry for this variant (Variation ID: 430967). Based on the evidence outlined above, the variant was classified as pathogenic.

Genetic Services Laboratory, University of Chicago
Classification: Pathogenic. Last evaluated: 2025-01-14. Review status: criteria provided, single submitter. Criteria: ACMG Guidelines, 2015. Collection method: clinical testing. Allele origin: germline.
Comment: DNA sequence analysis of the PKD2 gene demonstrated a sequence change in the canonical splice donor site of intron 5, c.1319+1G>A. This sequence change has been previously described in several individuals with polycystic kidney disease (PMID: 11007674, 12707387, 22383692). This sequence change has been described in the gnomAD database with a frequency of 0.0002% in the global population (dbSNP rs1131692280). This pathogenic sequence change is predicted to affect normal splicing of the PKD2 gene and result in an abnormal protein. These collective evidences indicate that this sequence change is pathogenic, however functional studies have not been performed to prove this conclusively.

Genetics Department, Catlab
Classification: Pathogenic for Polycystic kidney disease 2. Last evaluated: 2024-08-07. Review status: criteria provided, single submitter. Criteria: ACMG Guidelines, 2015. Collection method: clinical testing. Allele origin: maternal. Inheritance: Autosomal dominant inheritance. Affected: yes. Observed: 3 variant alleles, 3 heterozygotes.
Comment: The c.1319+1G>A variant in the PKD2 gene modifies the canonical donor splicing site of intron 5 and is expected to alter the protein function (PVS1). It has been previously found in multiple patients with autosomal dominant policystic kidney disease (PMID: 12707387, 11007674, 18837007) (PS4_Moderate) and it has been shown to segregate in one of our affected families (PP1). The variant has a very low frequency in the gnomAD database 4.1 (AF= 2.5e-06) (PM2). Additionally, the variant is classified as pathogenic in the ADPKD database. With all the available evidence, the variant is classified as pathogenic.

Fulgent Genetics
Classification: Pathogenic for Polycystic kidney disease 2. Last evaluated: 2024-03-04. Review status: criteria provided, single submitter. Criteria: ACMG Guidelines, 2015. Collection method: clinical testing. Allele origin: germline.

Laboratorio de Genetica e Diagnostico Molecular, Hospital Israelita Albert Einstein
Classification: Pathogenic for Polycystic kidney disease 2. Last evaluated: 2023-10-27. Review status: criteria provided, single submitter. Criteria: ACMG Guidelines, 2015. Collection method: clinical testing. Allele origin: germline. Affected: yes.
Comment: ACMG classification criteria: PVS1 strong, PS4 strong, PM2 supporting

Ambry Genetics
Classification: Pathogenic for Inborn genetic diseases. Last evaluated: 2023-09-11. Review status: criteria provided, single submitter. Criteria: Ambry Variant Classification Scheme 2023. Collection method: clinical testing. Allele origin: germline.
Comment: The c.1319+1G>A intronic variant results from a G to A substitution one nucleotide(s) after coding exon 5 of the PKD2 gene. Alterations that disrupt the canonical splice site are expected to result in aberrant splicing. The resulting transcript is predicted to be in-frame and is not expected to trigger nonsense-mediated mRNAdecay; however, direct evidence is unavailable. The exact functional effect of the altered amino acid sequence is unknown; however, and a significant portion of the protein is affected (Ambry internal data). Based on data from gnomAD, the A allele has an overall frequency of 0.001% (3/282036) total alleles studied. The highest observed frequency was 0.012% (3/24960) of African alleles. This mutation has been reported in multiple individuals with a clinical diagnosis of polycystic kidney disease (Torra, 2000; Rossetti, 2012). In one individual with polycystic kidney disease, this mutation was identified in conjunction with a missense variant in PKD1 (Magistroni, 2003). This nucleotide position is highly conserved in available vertebrate species. In silico splice site analysis predicts that this alteration will weaken the native splice donor site. Based on the available evidence, this alteration is classified as pathogenic.

Greenwood Genetic Center Diagnostic Laboratories, Greenwood Genetic Center
Classification: Likely pathogenic for Polycystic kidney disease 2. Last evaluated: 2022-04-21. Review status: criteria provided, single submitter. Criteria: ACMG Guidelines, 2015. Collection method: clinical testing. Allele origin: germline. Affected: yes.
Comment: PVS1 PM2

Athena Diagnostics
Classification: Pathogenic. Last evaluated: 2020-12-30. Review status: criteria provided, single submitter. Criteria: Athena Diagnostics criteria. Collection method: clinical testing. Allele origin: unknown.
Comment: This variant is expected to severely impact normal RNA splicing, and consequently, protein structure and/or function. The frequency of this variant in the general population is consistent with pathogenicity. This variant has been identified in at least one individual with clinical features associated with this gene.

Blueprint Genetics
Classification: Pathogenic for PKD2-related disorders. Last evaluated: 2020-11-18. Review status: criteria provided, single submitter. Criteria: ACMG Guidelines, 2015. Collection method: clinical testing. Allele origin: germline. Affected: yes. Observed: 1 variant allele.